The following is an entry in ClinVar:

ClinVar aggregate classification (germline): Likely benign. Review status: criteria provided, multiple submitters, no conflicts (2 of 4 stars). 2 submissions from 2 submitters: Likely benign (2). Last evaluated 2026-04-13.

Conditions:
Short-rib thoracic dysplasia 10 with or without polydactyly (SRTD10). Identifiers: Orphanet 474, MedGen C3810175, MONDO:0014284, OMIM 615630.
Retinitis pigmentosa 71 (RP71). Identifiers: Orphanet 791, MedGen C4225342, MONDO:0014618, OMIM 616394.
IFT172-related disorder. Also called: IFT172-related condition; IFT172-related disorders.

Allele frequency attached by ClinVar (database versions not stated): ExAC 0.00002; 1000 Genomes Project 30x 0.00016; 1000 Genomes Project 0.00020; gnomAD 0.00001; gnomAD exomes 0.00001.
gnomAD v4.1: 10 of 1,611,608 alleles (0.00062%); highest among the groups gnomAD compares: South Asian, 0.011%; no homozygotes.

Submissions (2):

PreventionGenetics, part of Exact Sciences
Classification: Likely benign for IFT172-related condition. Last evaluated: 2026-04-13. Review status: criteria provided, single submitter. Criteria: ACMG Guidelines, 2015. Collection method: clinical testing. Allele origin: germline.
Comment: This variant is classified as likely benign based on ACMG/AMP sequence variant interpretation guidelines (Richards et al. 2015 PMID: 25741868, with internal and published modifications).

Labcorp Genetics (formerly Invitae), Labcorp
Classification: Likely benign for Retinitis pigmentosa 71; Short-rib thoracic dysplasia 10 with or without polydactyly. Last evaluated: 2024-02-23. Review status: criteria provided, single submitter. Criteria: Invitae Variant Classification Sherloc (09022015). Collection method: clinical testing. Allele origin: germline.

NM_015662.3(IFT172):c.582T>C (p.Val194=)

Gene: IFT172 (intraflagellar transport 172; minus strand). Cytogenetic location: 2p23.3.
Variant type: single nucleotide variant.
Coding change: c.582T>C on transcript NM_015662.3 (MANE Select); coding-DNA position 582, T replaced by C.
Protein change: p.Val194=; no amino-acid change (valine 194 retained).
Molecular consequence: synonymous variant.
Genome position (GRCh38, 1-based): chr2:27,481,249, A>G on the plus strand (T>C on the coding strand, the complement: IFT172 is on the minus strand). VCF-style: chr2-27481249-A-G. GRCh37 (hg19) VCF-style: chr2-27704116-A-G.
Other names: c.582T>C (NM_015662.2).
Identifiers: ClinVar variation 1549212 (VCV001549212.9), dbSNP rs533475435, ClinGen allele CA1580914.